The following is an entry in ClinVar:

NM_004360.5(CDH1):c.531+1G>A

Gene: CDH1 (cadherin 1; plus strand). Cytogenetic location: 16q22.1.
Variant type: single nucleotide variant.
Coding change: c.531+1G>A on transcript NM_004360.5 (MANE Select); the canonical splice donor site of the intron after coding-DNA position 531, G replaced by A.
Molecular consequence: splice donor variant.
Genome position (GRCh38, 1-based): chr16:68,808,568, G>A. VCF-style: chr16-68808568-G-A. GRCh37 (hg19) VCF-style: chr16-68842471-G-A.
Other names: c.531+1G>A (NM_004360.4, NM_001317184.2); c.-1085+1G>A (NM_001317185.2); c.-1289+1G>A (NM_001317186.2).
Identifiers: ClinVar variation 428618 (VCV000428618.18), dbSNP rs1131690808, ClinGen allele CA396457824.

ClinVar aggregate classification (germline): Likely pathogenic. Review status: reviewed by expert panel (3 of 4 stars). 5 submissions from 5 submitters: Likely pathogenic (1). 4 of the submissions do not count toward it. Last evaluated 2024-03-28.

Conditions:
CDH1-related diffuse gastric and lobular breast cancer syndrome. Also called: CDH1-related diffuse gastric and lobular breast cancer. Identifiers: MedGen CN311521, MONDO:0100488.
Hereditary cancer-predisposing syndrome. Also called: Hereditary neoplastic syndrome; Tumor predisposition; Neoplastic Syndromes, Hereditary; Hereditary Cancer Syndrome. Identifiers: Orphanet 140162, MedGen C0027672, MeSH D009386, MONDO:0015356.
Hereditary diffuse gastric adenocarcinoma (HDGC). Also called: DIFFUSE GASTRIC AND LOBULAR BREAST CANCER SYNDROME. Identifiers: Orphanet 26106, MedGen C1708349, MONDO:0007648, OMIM 137215.

Submissions (5):

Clingen Gastric Cancer Variant Curation Expert Panel
Classification: Likely pathogenic for CDH1-related diffuse gastric and lobular breast cancer syndrome. Last evaluated: 2024-03-28. Review status: reviewed by expert panel. Criteria: ClinGen CDH1 ACMG Specifications V3.1. Collection method: curation. Allele origin: germline. Inheritance: Autosomal dominant inheritance.
Comment: The c.531+1G>A variant is a canonical splice variant predicted to result in a truncated or absent protein (PVS1_Strong, PM5_Supporting). This variant is absent in the gnomAD cohort (PM2_Supporting). This variant has been reported in at least two family meeting HDGC clinical criteria (PS4_moderate; SCV000580690.3; SCV000637838.2). In summary, this variant meets criteria to be classified as likely pathogenic based on the ACMG/AMP criteria applied as specified by the CDH1 Variant Curation Expert Panel (Variant Interpretation Guidelines Version 3.1): PVS1_strong, PM2_Supporting, PS4_moderate, PM5_Supporting.

Myriad Genetics, Inc.
Classification: Likely pathogenic for Hereditary diffuse gastric adenocarcinoma. Last evaluated: 2023-06-09. Review status: criteria provided, single submitter. Criteria: Myriad Autosomal Dominant, Autosomal Recessive and X-Linked Classification Criteria (2023). Collection method: clinical testing. Allele origin: unknown. Not counted in ClinVar's aggregate classification.
Comment: This variant is considered likely pathogenic. This variant occurs within a consensus splice junction and is predicted to result in abnormal mRNA splicing of either an out-of-frame exon or an in-frame exon necessary for protein stability and/or normal function.

Women's Health and Genetics/Laboratory Corporation of America, LabCorp
Classification: Likely pathogenic for Hereditary diffuse gastric adenocarcinoma. Last evaluated: 2023-05-11. Review status: criteria provided, single submitter. Criteria: LabCorp Variant Classification Summary - May 2015. Collection method: clinical testing. Allele origin: germline. Not counted in ClinVar's aggregate classification.
Comment: Variant summary: CDH1 c.531+1G>A is located in a canonical splice-site and is predicted to affect mRNA splicing resulting in a significantly altered protein due to either exon skipping, shortening, or inclusion of intronic material. Several computational tools predict a significant impact on normal splicing: Three predict the variant abolishes a canonical 5' splicing donor site. However, these predictions have yet to be confirmed by functional studies. The variant was absent in 251178 control chromosomes (gnomAD). c.531+1G>A has been reported in the literature in an individual affected with diffuse gastric cancer and signet cell colorectal cancer who had a family history of gastric and breast cancer (Adib_2022). To our knowledge, no experimental evidence demonstrating an impact on protein function has been reported. The following publication has been ascertained in the context of this evaluation (PMID: 34949788). Three submitters, including an expert panel (ClinGen CDH1 Variant Curation Expert Panel), have provided clinical-significance assessments for this variant to ClinVar after 2014 and all classified the variant as pathogenic (n=1)/likely pathogenic (n=2). Based on the evidence outlined above, the variant was classified as likely pathogenic.

Ambry Genetics
Classification: Pathogenic for Hereditary cancer-predisposing syndrome. Last evaluated: 2020-05-29. Review status: criteria provided, single submitter. Criteria: Ambry Variant Classification Scheme 2023. Collection method: clinical testing. Allele origin: germline. Not counted in ClinVar's aggregate classification.
Comment: The c.531+1G>A pathogenic intronic variant results from a G to A substitution one nucleotide after coding exon 4 of the CDH1 gene. This alteration has been detected in a family meeting clinical criteria for hereditary diffuse gastric cancer (Ambry internal data). In silico splice site analysis predicts that this alteration will weaken the native splice donor site. RNA studies have demonstrated that this alteration results in abnormal splicing in the set of samples tested (Ambry internal data). Based on the supporting evidence, this alteration is interpreted as a disease-causing mutation.

Labcorp Genetics (formerly Invitae), Labcorp
Classification: Likely pathogenic for Hereditary diffuse gastric adenocarcinoma. Last evaluated: 2017-12-15. Review status: criteria provided, single submitter. Criteria: Invitae Variant Classification Sherloc (09022015). Collection method: clinical testing. Allele origin: germline. Not counted in ClinVar's aggregate classification.
Comment: In summary, the currently available evidence indicates that the variant is pathogenic, but additional data are needed to prove that conclusively. Therefore, this variant has been classified as Likely Pathogenic. Donor and acceptor splice site variants typically lead to a loss of protein function (PMID: 16199547), and loss-of-function variants in CDH1 are known to be pathogenic (PMID: 15235021, 20373070). Algorithms developed to predict the effect of sequence changes on RNA splicing suggest that this variant may disrupt the consensus splice site, but this prediction has not been confirmed by published transcriptional studies. This variant has not been reported in the literature in individuals with CDH1-related disease. ClinVar contains an entry for this variant (Variation ID: 428618). This variant is not present in population databases (ExAC no frequency). This sequence change affects a donor splice site in intron 4 of the CDH1 gene. It is expected to disrupt RNA splicing and likely results in an absent or disrupted protein product.

Literature cited by the submitters: PubMed 34949788 (cited by Women's Health and Genetics/Laboratory Corporation of America, LabCorp); PubMed 16199547 (cited by Labcorp Genetics (formerly Invitae), Labcorp); PubMed 15235021 (cited by Labcorp Genetics (formerly Invitae), Labcorp); PubMed 20373070 (cited by Labcorp Genetics (formerly Invitae), Labcorp).